The following is an entry in ClinVar:

NM_205861.3(DHDDS):c.772C>T (p.Arg258Ter)

Gene: DHDDS (dehydrodolichyl diphosphate synthase subunit; plus strand). Cytogenetic location: 1p36.11.
Variant type: single nucleotide variant.
Coding change: c.772C>T on transcript NM_205861.3 (MANE Select); coding-DNA position 772, C replaced by T.
Protein change: p.Arg258Ter; replaces arginine 258 with a stop codon.
Molecular consequence: nonsense.
Genome position (GRCh38, 1-based): chr1:26,468,901, C>T. VCF-style: chr1-26468901-C-T. GRCh37 (hg19) VCF-style: chr1-26795392-C-T.
Other names: c.670C>T, p.Arg224Ter (NM_001243564.2); c.655C>T, p.Arg219Ter (NM_001243565.2); c.493C>T, p.Arg165Ter (NM_001319959.2); c.775C>T, p.Arg259Ter (NM_024887.4); short protein forms R165*, R219*, R224*, R258*, R259*.
Identifiers: ClinVar variation 1708776 (VCV001708776.3), dbSNP rs1267608571, ClinGen allele CA339145513.

ClinVar aggregate classification (germline): Conflicting classifications of pathogenicity. Review status: criteria provided, conflicting classifications (1 of 4 stars). 2 submissions from 2 submitters: Likely pathogenic (1); Uncertain significance (1). Last evaluated 2026-01-26.

Conditions:
Retinitis pigmentosa 59 (RP59). Identifiers: Orphanet 791, MedGen C3151227, MONDO:0013468, OMIM 613861.

Allele frequency attached by ClinVar (database versions not stated): gnomAD exomes below 0.00001.
gnomAD v4.1: 1 of 1,613,988 alleles (0.000062%); highest among the groups gnomAD compares: Admixed American, 0.0017%; no homozygotes.

Submissions (2):

Natera, Inc.
Classification: Likely pathogenic for Retinitis pigmentosa type 59. Last evaluated: 2026-01-26. Review status: criteria provided, single submitter. Criteria: Natera Variant Classification Schema (03/2026). Collection method: clinical testing. Allele origin: germline.
Comment: The c.775C>T variant in DHDDS is a nonsense variant predicted to introduce a stop codon at amino acid 259. This variant is expected to result in nonsense mediated decay, truncation, or a dysfunctional protein product. This variant is rare in the general population with a frequency below the threshold expected for the associated phenotype(s). Given the available evidence, this variant is classified as Likely Pathogenic.

GeneDx
Classification: Uncertain significance. Last evaluated: 2022-04-07. Review status: criteria provided, single submitter. Criteria: GeneDx Variant Classification Process June 2021. Collection method: clinical testing. Allele origin: germline. Affected: yes.
Comment: Not observed at significant frequency in large population cohorts (gnomAD); Nonsense variant predicted to result in protein truncation as the last 76 amino acids are lost, although loss-of-function variants have not been reported downstream of this position in the protein; Has not been previously published as pathogenic or benign to our knowledge